The following is an entry in ClinVar:

NM_001042492.3(NF1):c.712C>G (p.Pro238Ala)

Gene: NF1 (neurofibromin 1; plus strand). Cytogenetic location: 17q11.2.
Variant type: single nucleotide variant.
Coding change: c.712C>G on transcript NM_001042492.3 (MANE Select); coding-DNA position 712, C replaced by G.
Protein change: p.Pro238Ala; replaces proline 238 with alanine.
Molecular consequence: missense variant.
Genome position (GRCh38, 1-based): chr17:31,181,767, C>G. VCF-style: chr17-31181767-C-G. GRCh37 (hg19) VCF-style: chr17-29508785-C-G.
Other names: c.712C>G, p.Pro238Ala (NM_000267.4, NM_001128147.3); short protein forms P238A.
Identifiers: ClinVar variation 404584 (VCV000404584.5), dbSNP rs1060500365, ClinGen allele CA16615143.
Genomic context (GRCh38, chr17:31,181,767, plus strand): 5'-TAGGCATTTTGGAACTGGGTAGAAAATTATCCAGATGAATTTACAAAACTGTACCAGATC[C>G]CACAGACTGATATGGCTGGTAAGGATACGATTGATTTTTTTTTTTTTTTTGTCTTTTAAA-3'
Protein context (NP_001035957.1, residues 228-248): PDEFTKLYQI[Pro238Ala]QTDMAECAEK

ClinVar aggregate classification (germline): Uncertain significance (1 of 4 stars; one submission).

Conditions:
Neurofibromatosis, type 1 (NF1). Also called: Neurofibromatosis, type I; NEUROFIBROMATOSIS, TYPE I, SOMATIC; Peripheral type neurofibromatosis; VON RECKLINGHAUSEN DISEASE. Identifiers: Orphanet 636, MedGen C0027831, MONDO:0018975, OMIM 162200. Disease mechanism: loss of function.

Allele frequency attached by ClinVar (database versions not stated): gnomAD exomes below 0.00001.
gnomAD v4.1: 1 of 1,607,608 alleles (0.000062%); highest among the groups gnomAD compares: Non-Finnish European, 0.000085%; no homozygotes.

Submission:

Labcorp Genetics (formerly Invitae), Labcorp
Classification: Uncertain significance for Neurofibromatosis, type 1. Last evaluated: 2023-04-07. Review status: criteria provided, single submitter. Criteria: Invitae Variant Classification Sherloc (09022015). Collection method: clinical testing. Allele origin: germline.
Comment: This sequence change replaces proline, which is neutral and non-polar, with alanine, which is neutral and non-polar, at codon 238 of the NF1 protein (p.Pro238Ala). This variant is not present in population databases (gnomAD no frequency). This variant has not been reported in the literature in individuals affected with NF1-related conditions. ClinVar contains an entry for this variant (Variation ID: 404584). Advanced modeling of protein sequence and biophysical properties (such as structural, functional, and spatial information, amino acid conservation, physicochemical variation, residue mobility, and thermodynamic stability) performed at Invitae indicates that this missense variant is expected to disrupt NF1 protein function. In summary, the available evidence is currently insufficient to determine the role of this variant in disease. Therefore, it has been classified as a Variant of Uncertain Significance.